The following is an entry in ClinVar:

ClinVar aggregate classification (germline): Benign/Likely benign. Review status: criteria provided, multiple submitters, no conflicts (2 of 4 stars). 2 submissions from 2 submitters: Benign (1); Likely benign (1). Last evaluated 2025-10-21.

Conditions:
Tuberous sclerosis 1 (TSC1). Identifiers: Orphanet 805, MedGen C1854465, MONDO:0008612, OMIM 191100.

Allele frequency attached by ClinVar (database versions not stated): gnomAD exomes below 0.00001.
gnomAD v4.1: 1 of 1,614,216 alleles (0.000062%); no homozygotes.

Submissions (2):

Labcorp Genetics (formerly Invitae), Labcorp
Classification: Likely benign for Tuberous sclerosis 1. Last evaluated: 2025-10-21. Review status: criteria provided, single submitter. Criteria: Invitae Variant Classification Sherloc (09022015). Collection method: clinical testing. Allele origin: germline.

Myriad Genetics, Inc.
Classification: Benign for Tuberous sclerosis 1. Last evaluated: 2025-04-08. Review status: criteria provided, single submitter. Criteria: Myriad Autosomal Dominant, Autosomal Recessive and X-Linked Classification Criteria (2023). Collection method: clinical testing. Allele origin: unknown.
Comment: This variant is considered benign. This variant is a silent/synonymous amino acid change and it is not expected to impact splicing.

NM_000368.5(TSC1):c.349C>T (p.Leu117=)

Gene: TSC1 (TSC complex subunit 1; minus strand). Cytogenetic location: 9q34.13.
Variant type: single nucleotide variant.
Coding change: c.349C>T on transcript NM_000368.5 (MANE Select); coding-DNA position 349, C replaced by T.
Protein change: p.Leu117=; no amino-acid change (leucine 117 retained).
Molecular consequence: synonymous variant. On other transcripts: 5 prime UTR variant (18), non-coding transcript variant (5), intron variant (5).
Genome position (GRCh38, 1-based): chr9:132,925,601, G>A on the plus strand (C>T on the coding strand, the complement: TSC1 is on the minus strand). VCF-style: chr9-132925601-G-A. GRCh37 (hg19) VCF-style: chr9-135800988-G-A.
Other names: c.349C>T, p.Leu117= (NM_001162426.2, NM_001406592.1, NM_001406593.1 and 16 more transcripts); c.-15C>T (NM_001362177.2, NM_001406617.1, NM_001406618.1 and 5 more transcripts); c.-107C>T (NM_001406614.1, NM_001406616.1, NM_001406624.1); c.-140C>T (NM_001406615.1, NM_001406623.1); c.-529C>T (NM_001406626.1, NM_001406627.1, NM_001406628.1); c.-671C>T (NM_001406629.1); c.-745C>T (NM_001406630.1); c.210+1600C>T (NM_001406613.1, NM_001406612.1, NM_001406610.1 and 2 more transcripts).
Identifiers: ClinVar variation 2121905 (VCV002121905.5), dbSNP rs1242311755, ClinGen allele CA467594128.